The following is an entry in ClinVar:

NM_003136.4(SRP54):c.1157-9T>C

Gene: SRP54 (signal recognition particle 54; plus strand). Cytogenetic location: 14q13.2.
Variant type: single nucleotide variant.
Coding change: c.1157-9T>C on transcript NM_003136.4 (MANE Select); 9 bases into the intron before coding-DNA position 1157, T replaced by C.
Molecular consequence: intron variant.
Genome position (GRCh38, 1-based): chr14:35,022,901, T>C. VCF-style: chr14-35022901-T-C. GRCh37 (hg19) VCF-style: chr14-35492107-T-C.
Other names: c.1156+3827T>C (NM_001411017.1); c.1010-9T>C (NM_001146282.2).
Identifiers: ClinVar variation 3711132 (VCV003711132.2).

ClinVar aggregate classification (germline): Uncertain significance (1 of 4 stars; one submission).

gnomAD v4.1: 2 of 1,591,614 alleles (0.00013%); highest among the groups gnomAD compares: Middle Eastern, 0.017%; no homozygotes.

Submission:

Labcorp Genetics (formerly Invitae), Labcorp
Classification: Uncertain significance. Last evaluated: 2024-06-03. Review status: criteria provided, single submitter. Criteria: Invitae Variant Classification Sherloc (09022015). Collection method: clinical testing. Allele origin: germline.
Comment: This sequence change falls in intron 13 of the SRP54 gene. It does not directly change the encoded amino acid sequence of the SRP54 protein. This variant is present in population databases (no rsID available, gnomAD no frequency). This variant has not been reported in the literature in individuals affected with SRP54-related conditions. Algorithms developed to predict the effect of sequence changes on RNA splicing suggest that this variant may disrupt the consensus splice site. In summary, the available evidence is currently insufficient to determine the role of this variant in disease. Therefore, it has been classified as a Variant of Uncertain Significance.